The following is an entry in ClinVar:

ClinVar aggregate classification (germline): Conflicting classifications of pathogenicity. Review status: criteria provided, conflicting classifications (1 of 4 stars). 4 submissions from 4 submitters: Uncertain significance (3); Likely benign (1). Last evaluated 2025-10-31.

Conditions:
Hereditary cancer-predisposing syndrome. Also called: Tumor predisposition; Hereditary Cancer Syndrome; Neoplastic Syndromes, Hereditary; Hereditary neoplastic syndrome. Identifiers: Orphanet 140162, MedGen C0027672, MeSH D009386, MONDO:0015356.
Hereditary diffuse gastric adenocarcinoma (HDGC). Also called: DIFFUSE GASTRIC AND LOBULAR BREAST CANCER SYNDROME. Identifiers: Orphanet 26106, MedGen C1708349, MONDO:0007648, OMIM 137215.

Submissions (4):

Labcorp Genetics (formerly Invitae), Labcorp
Classification: Uncertain significance for Hereditary diffuse gastric adenocarcinoma. Last evaluated: 2025-10-31. Review status: criteria provided, single submitter. Criteria: Invitae Variant Classification Sherloc (09022015). Collection method: clinical testing. Allele origin: germline.
Comment: This sequence change replaces lysine, which is basic and polar, with threonine, which is neutral and polar, at codon 653 of the CDH1 protein (p.Lys653Thr). This variant is not present in population databases (gnomAD no frequency). This variant has not been reported in the literature in individuals affected with CDH1-related conditions. ClinVar contains an entry for this variant (Variation ID: 449893). An algorithm developed to predict the effect of missense changes on protein structure and function (PolyPhen-2) suggests that this variant is likely to be tolerated. In summary, the available evidence is currently insufficient to determine the role of this variant in disease. Therefore, it has been classified as a Variant of Uncertain Significance.

Ambry Genetics
Classification: Likely benign for Hereditary cancer-predisposing syndrome. Last evaluated: 2024-04-01. Review status: criteria provided, single submitter. Criteria: Ambry Variant Classification Scheme 2023. Collection method: clinical testing. Allele origin: germline.

Color Diagnostics, LLC DBA Color Health
Classification: Uncertain significance for Hereditary cancer-predisposing syndrome. Last evaluated: 2023-12-05. Review status: criteria provided, single submitter. Criteria: ACMG Guidelines, 2015. Collection method: clinical testing. Allele origin: germline.
Comment: This missense variant replaces lysine with threonine at codon 653 of the CDH1 protein. To our knowledge, functional studies have not been reported for this variant. This variant has not been reported in individuals affected with CDH1-related disorders in the literature. This variant has not been identified in the general population by the Genome Aggregation Database (gnomAD). The available evidence is insufficient to determine the role of this variant in disease conclusively. Therefore, this variant is classified as a Variant of Uncertain Significance.

GeneDx
Classification: Uncertain significance. Last evaluated: 2017-03-24. Review status: criteria provided, single submitter. Criteria: GeneDx Variant Classification (06012015). Collection method: clinical testing. Allele origin: germline. Affected: yes.
Comment: This variant is denoted CDH1 c.1958A>C at the cDNA level, p.Lys653Thr (K653T) at the protein level, and results in the change of a Lysine to a Threonine (AAG>ACG). This variant has not, to our knowledge, been published in the literature as pathogenic or benign. CDH1 Lys653Thr was not observed in large population cohorts (NHLBI Exome Sequencing Project, The 1000 Genomes Consortium 2015, Lek 2016). Since Lysine and Threonine differ in some properties, this is considered a semi-conservative amino acid substitution. CDH1 Lys653Thr occurs at a position that is not conserved and is located in Cadherin 5 of the extracellular domain (Brooks-Wilson 2004, Figueiredo 2013). In silico analyses are inconsistent regarding the effect this variant may have on protein structure and function. Based on currently available evidence, it is unclear whether CDH1 Lys653Thr is a pathogenic or benign variant. We consider it to be a variant of uncertain significance.

NM_004360.5(CDH1):c.1958A>C (p.Lys653Thr)

Gene: CDH1 (cadherin 1; plus strand). Cytogenetic location: 16q22.1.
Variant type: single nucleotide variant.
Coding change: c.1958A>C on transcript NM_004360.5 (MANE Select); coding-DNA position 1958, A replaced by C.
Protein change: p.Lys653Thr; replaces lysine 653 with threonine.
Molecular consequence: missense variant. On other transcripts: 5 prime UTR variant (1).
Genome position (GRCh38, 1-based): chr16:68,823,420, A>C. VCF-style: chr16-68823420-A-C. GRCh37 (hg19) VCF-style: chr16-68857323-A-C.
Other names: c.1958A>C (LRG_301t1); c.1775A>C, p.Lys592Thr (NM_001317184.2); c.410A>C, p.Lys137Thr (NM_001317185.2); c.-8A>C (NM_001317186.2); short protein forms K653T, K592T, K137T.
Identifiers: ClinVar variation 449893 (VCV000449893.14), dbSNP rs1555517084, ClinGen allele CA396467544.
Genomic context (GRCh38, chr16:68,823,420, plus strand): 5'-TCCCCTGGTCTCATCATTTCTTTTTATTGCTTTCTCCAGCCCAAGAATCTATCATTTTGA[A>C]GCCAAAGATGGCCTTAGAGGTGGGTGACTACAAAATCAATCTCAAGCTCATGGATAACCA-3'
Protein context (NP_004351.1, residues 643-663): NDPTQESIIL[Lys653Thr]PKMALEVGDY